The following is an entry in ClinVar:

ClinVar aggregate classification (germline): Uncertain significance (1 of 4 stars; one submission).

Conditions:
Atrial fibrillation, familial, 18 (ATFB18). Identifiers: MedGen C4310636, MONDO:0015001, OMIM 617280.

Submission:

Labcorp Genetics (formerly Invitae), Labcorp
Classification: Uncertain significance for Atrial fibrillation, familial, 18. Last evaluated: 2021-05-03. Review status: criteria provided, single submitter. Criteria: Invitae Variant Classification Sherloc (09022015). Collection method: clinical testing. Allele origin: germline.
Comment: In summary, the available evidence is currently insufficient to determine the role of this variant in disease. Therefore, it has been classified as a Variant of Uncertain Significance. Algorithms developed to predict the effect of missense changes on protein structure and function are either unavailable or do not agree on the potential impact of this missense change (SIFT: "Deleterious"; PolyPhen-2: "Possibly Damaging"; Align-GVGD: "Class C15"). This variant has not been reported in the literature in individuals with MYL4-related conditions. This variant is not present in population databases (ExAC no frequency). This sequence change replaces threonine with isoleucine at codon 161 of the MYL4 protein (p.Thr161Ile). The threonine residue is highly conserved and there is a moderate physicochemical difference between threonine and isoleucine.

NM_002476.2(MYL4):c.482C>T (p.Thr161Ile)

Gene: MYL4 (myosin light chain 4; plus strand). Cytogenetic location: 17q21.32.
Variant type: single nucleotide variant.
Coding change: c.482C>T on transcript NM_002476.2 (MANE Select); coding-DNA position 482, C replaced by T.
Protein change: p.Thr161Ile; replaces threonine 161 with isoleucine.
Molecular consequence: missense variant.
Genome position (GRCh38, 1-based): chr17:47,221,850, C>T. VCF-style: chr17-47221850-C-T. GRCh37 (hg19) VCF-style: chr17-45299216-C-T.
Other names: c.482C>T, p.Thr161Ile (NM_001002841.2); short protein forms T161I.
Identifiers: ClinVar variation 1510596 (VCV001510596.8), dbSNP rs2149048813, ClinGen allele CA400022747.